The following is an entry in ClinVar:

ClinVar aggregate classification (germline): Uncertain significance (1 of 4 stars; one submission).

Conditions:
Autosomal recessive ataxia, Beauce type. Also called: ATAXIA, RECESSIVE, OF BEAUCE; Spinocerebellar ataxia, autosomal recessive 8; SYNE1-Related Autosomal Recessive Cerebellar Ataxia; SYNE1 Deficiency. Identifiers: Orphanet 88644, MedGen C1853116, MONDO:0012549, OMIM 610743.
Emery-Dreifuss muscular dystrophy 4, autosomal dominant (EDMD4). Also called: EMERY-DREIFUSS MUSCULAR DYSTROPHY 4 WITH VARIABLE FEATURES. Identifiers: Orphanet 261, MedGen C2751807, MONDO:0013071, OMIM 612998.

Submission:

Labcorp Genetics (formerly Invitae), Labcorp
Classification: Uncertain significance for Emery-Dreifuss muscular dystrophy 4, autosomal dominant; Autosomal recessive ataxia, Beauce type. Last evaluated: 2020-05-20. Review status: criteria provided, single submitter. Criteria: Invitae Variant Classification Sherloc (09022015). Collection method: clinical testing. Allele origin: germline.
Comment: In summary, the available evidence is currently insufficient to determine the role of this variant in disease. Therefore, it has been classified as a Variant of Uncertain Significance. Algorithms developed to predict the effect of missense changes on protein structure and function output the following: SIFT: "Tolerated"; PolyPhen-2: "Benign"; Align-GVGD: "Class C0". The isoleucine amino acid residue is found in multiple mammalian species, suggesting that this missense change does not adversely affect protein function. These predictions have not been confirmed by published functional studies and their clinical significance is uncertain. This variant has not been reported in the literature in individuals with SYNE1-related conditions. This variant is not present in population databases (ExAC no frequency). This sequence change replaces threonine with isoleucine at codon 3433 of the SYNE1 protein (p.Thr3433Ile). The threonine residue is moderately conserved and there is a moderate physicochemical difference between threonine and isoleucine.

NM_182961.4(SYNE1):c.10277C>T (p.Thr3426Ile)

Gene: SYNE1 (spectrin repeat containing nuclear envelope protein 1; minus strand). Cytogenetic location: 6q25.2.
Variant type: single nucleotide variant.
Coding change: c.10277C>T on transcript NM_182961.4 (MANE Select); coding-DNA position 10277, C replaced by T.
Protein change: p.Thr3426Ile; replaces threonine 3426 with isoleucine.
Molecular consequence: missense variant.
Genome position (GRCh38, 1-based): chr6:152,362,192, G>A on the plus strand (C>T on the coding strand, the complement: SYNE1 is on the minus strand). VCF-style: chr6-152362192-G-A. GRCh37 (hg19) VCF-style: chr6-152683327-G-A.
Other names: c.10298C>T, p.Thr3433Ile (NM_033071.5); short protein forms T3426I, T3433I.
Identifiers: ClinVar variation 1011794 (VCV001011794.9), dbSNP rs2096943501, ClinGen allele CA366130187.